The following is an entry in ClinVar:

NM_018122.5(DARS2):c.1124G>A (p.Gly375Glu)

Gene: DARS2 (aspartyl-tRNA synthetase 2, mitochondrial; plus strand). Cytogenetic location: 1q25.1.
Variant type: single nucleotide variant.
Coding change: c.1124G>A on transcript NM_018122.5 (MANE Select); coding-DNA position 1124, G replaced by A.
Protein change: p.Gly375Glu; replaces glycine 375 with glutamic acid.
Molecular consequence: missense variant.
Genome position (GRCh38, 1-based): chr1:173,840,969, G>A. VCF-style: chr1-173840969-G-A. GRCh37 (hg19) VCF-style: chr1-173810107-G-A.
Other names: c.1124G>A, p.Gly375Glu (NM_001365212.1, NM_001365213.2); short protein forms G375E.
Identifiers: ClinVar variation 2055916 (VCV002055916.4), dbSNP rs2525882805, ClinGen allele CA343764393.
Genomic context (GRCh38, chr1:173,840,969, plus strand): 5'-TTCTTCAAGATGCACTTAGTAAGCCCCATGGAACTGTGAAAGCCATATGTATCCCTGAAG[G>A]AGCAGTAAGTGAAGTACAGTTCTATGTTTCTCTAGAATGTATGCTTTGGAAGTAACTTTG-3'
Protein context (NP_060592.2, residues 365-385): GTVKAICIPE[Gly375Glu]AKYLKRKDIE

ClinVar aggregate classification (germline): Uncertain significance (1 of 4 stars; one submission).

Submission:

Labcorp Genetics (formerly Invitae), Labcorp
Classification: Uncertain significance. Last evaluated: 2023-08-24. Review status: criteria provided, single submitter. Criteria: Invitae Variant Classification Sherloc (09022015). Collection method: clinical testing. Allele origin: germline.
Comment: This sequence change replaces glycine, which is neutral and non-polar, with glutamic acid, which is acidic and polar, at codon 375 of the DARS2 protein (p.Gly375Glu). In summary, the available evidence is currently insufficient to determine the role of this variant in disease. Therefore, it has been classified as a Variant of Uncertain Significance. Advanced modeling of protein sequence and biophysical properties (such as structural, functional, and spatial information, amino acid conservation, physicochemical variation, residue mobility, and thermodynamic stability) has been performed at Invitae for this missense variant, however the output from this modeling did not meet the statistical confidence thresholds required to predict the impact of this variant on DARS2 protein function. ClinVar contains an entry for this variant (Variation ID: 2055916). This variant has not been reported in the literature in individuals affected with DARS2-related conditions. This variant is not present in population databases (gnomAD no frequency).